The following is an entry in ClinVar:

ClinVar aggregate classification (germline): Uncertain significance (1 of 4 stars; one submission).

Submission:

Labcorp Genetics (formerly Invitae), Labcorp
Classification: Uncertain significance. Last evaluated: 2023-05-16. Review status: criteria provided, single submitter. Criteria: Invitae Variant Classification Sherloc (09022015). Collection method: clinical testing. Allele origin: germline.
Comment: In summary, the available evidence is currently insufficient to determine the role of this variant in disease. Therefore, it has been classified as a Variant of Uncertain Significance. An algorithm developed to predict the effect of missense changes on protein structure and function (PolyPhen-2) suggests that this variant is likely to be tolerated. This variant has not been reported in the literature in individuals affected with DIP2C-related conditions. This variant is not present in population databases (gnomAD no frequency). This sequence change replaces leucine, which is neutral and non-polar, with valine, which is neutral and non-polar, at codon 901 of the DIP2C protein (p.Leu901Val).

NM_014974.3(DIP2C):c.2701C>G (p.Leu901Val)

Gene: DIP2C (DIP2 acetate--CoA ligase C (putative); minus strand). Cytogenetic location: 10p15.3.
Variant type: single nucleotide variant.
Coding change: c.2701C>G on transcript NM_014974.3 (MANE Select); coding-DNA position 2701, C replaced by G.
Protein change: p.Leu901Val; replaces leucine 901 with valine.
Molecular consequence: missense variant.
Genome position (GRCh38, 1-based): chr10:362,583, G>C on the plus strand (C>G on the coding strand, the complement: DIP2C is on the minus strand). VCF-style: chr10-362583-G-C. GRCh37 (hg19) VCF-style: chr10-408523-G-C.
Other names: short protein forms L901V.
Identifiers: ClinVar variation 2864951 (VCV002864951.3), dbSNP rs2540653783, ClinGen allele CA375832597.